The following is an entry in ClinVar:

NM_005141.5(FGB):c.*443G>A

Gene: FGB (fibrinogen beta chain; plus strand). Cytogenetic location: 4q31.3.
Variant type: single nucleotide variant.
Coding change: c.*443G>A on transcript NM_005141.5 (MANE Select); 443 bases downstream of the stop codon, G replaced by A.
Molecular consequence: 3 prime UTR variant.
Genome position (GRCh38, 1-based): chr4:154,571,093, G>A. VCF-style: chr4-154571093-G-A. GRCh37 (hg19) VCF-style: chr4-155492245-G-A.
Other names: c.*443G>A (NM_001184741.1, NM_001382759.1, NM_001382760.1 and 3 more transcripts); c.*584G>A (NM_001382761.1); c.*693G>A (NM_001382764.1).
Identifiers: ClinVar variation 347783 (VCV000347783.6), dbSNP rs2227422, ClinGen allele CA10620214.

ClinVar aggregate classification (germline): Benign. Review status: criteria provided, multiple submitters, no conflicts (2 of 4 stars). 2 submissions from 2 submitters: Benign (2). Last evaluated 2018-01-12.

Conditions:
Congenital afibrinogenemia. Identifiers: Orphanet 335, Orphanet 98880, MedGen C2584774, MONDO:0008737, OMIM 202400.

Allele frequency attached by ClinVar (database versions not stated): gnomAD 0.02149 and 0.02316; 1000 Genomes Project 0.02376; TOPMed 0.02458; 1000 Genomes Project 30x 0.02514.

Submissions (2):

Illumina Laboratory Services, Illumina
Classification: Benign for Congenital afibrinogenemia. Last evaluated: 2018-01-12. Review status: criteria provided, single submitter. Criteria: ICSL Variant Classification Criteria 13 December 2019. Collection method: clinical testing. Allele origin: germline.
Comment: This variant was observed in the ICSL laboratory as part of a predisposition screen in an ostensibly healthy population. It had not been previously curated by ICSL or reported in the Human Gene Mutation Database (HGMD: prior to June 1st, 2018), and was therefore a candidate for classification through an automated scoring system. Utilizing variant allele frequency, disease prevalence and penetrance estimates, and inheritance mode, an automated score was calculated to assess if this variant is too frequent to cause the disease. Based on the score and internal cut-off values, a variant classified as benign is not then subjected to further curation. The score for this variant resulted in a classification of benign for this disease.

Breakthrough Genomics
Classification: Benign. Review status: criteria provided, single submitter. Criteria: ACMG Guidelines, 2015. Collection method: not provided. Allele origin: germline. Inheritance: Autosomal recessive inheritance. Affected: yes.